The following is an entry in ClinVar:

ClinVar aggregate classification (germline): Uncertain significance (1 of 4 stars; one submission).

gnomAD v4.1: 1 of 1,612,210 alleles (0.000062%); highest among the groups gnomAD compares: Non-Finnish European, 0.000085%; no homozygotes.

Submission:

Women's Health and Genetics/Laboratory Corporation of America, LabCorp
Classification: Uncertain significance. Last evaluated: 2024-07-09. Review status: criteria provided, single submitter. Criteria: LabCorp Variant Classification Summary - May 2015. Collection method: clinical testing. Allele origin: germline.
Comment: Variant summary: NOS3 c.674+1G>A is located in a canonical splice-site and is predicted to affect mRNA splicing resulting in a significantly altered protein due to either exon skipping, shortening, or inclusion of intronic material. Several computational tools predict a significant impact on normal splicing: Four predict the variant abolishes a 5' splicing donor site. However, these predictions have yet to be confirmed by functional studies. The variant was absent in 247938 control chromosomes. The available data on variant occurrences in the general population are insufficient to allow any conclusion about variant significance. To our knowledge, no occurrence of c.674+1G>A in individuals affected with NOS3-Related Disorders and no experimental evidence demonstrating its impact on protein function have been reported. No submitters have cited clinical-significance assessments for this variant to ClinVar. Based on the evidence outlined above, the variant was classified as uncertain significance.

NM_000603.5(NOS3):c.674+1G>A

Gene: NOS3 (nitric oxide synthase 3; plus strand). Cytogenetic location: 7q36.1.
Variant type: single nucleotide variant.
Coding change: c.674+1G>A on transcript NM_000603.5 (MANE Select); the canonical splice donor site of the intron after coding-DNA position 674, G replaced by A.
Molecular consequence: splice donor variant.
Genome position (GRCh38, 1-based): chr7:150,998,449, G>A. VCF-style: chr7-150998449-G-A. GRCh37 (hg19) VCF-style: chr7-150695537-G-A.
Other names: c.674+1G>A (NM_001160109.2, NM_001160111.1, NM_001160110.1).
Identifiers: ClinVar variation 3339017 (VCV003339017.1).